The following is an entry in ClinVar:

ClinVar aggregate classification (germline): Conflicting classifications of pathogenicity. Review status: criteria provided, conflicting classifications (1 of 4 stars). 5 submissions from 5 submitters: Uncertain significance (1); Benign (3); Likely benign (1). Last evaluated 2026-07-01.

Conditions:
Inborn genetic diseases. Identifiers: MedGen C0950123, MeSH D030342.

Allele frequency attached by ClinVar (database versions not stated): 1000 Genomes Project 30x 0.00031; ExAC 0.00130; TOPMed 0.00237; gnomAD exomes 0.00286; gnomAD 0.00301 and 0.00319.

Submissions (5):

CeGaT Center for Human Genetics Tuebingen
Classification: Benign. Last evaluated: 2026-07-01. Review status: criteria provided, single submitter. Criteria: CeGaT Center For Human Genetics Tuebingen Variant Classification Criteria Version 2. Collection method: clinical testing. Allele origin: germline. Affected: yes. Observed: 34 variant alleles.
Comment: SHANK3: BS1, BS2

Blueprint Genetics
Classification: Likely benign. Last evaluated: 2024-11-21. Review status: criteria provided, single submitter. Criteria: ACMG Guidelines, 2015. Collection method: clinical testing. Allele origin: germline.

Ambry Genetics
Classification: Benign for Inborn genetic diseases. Last evaluated: 2019-02-20. Review status: criteria provided, single submitter. Criteria: Ambry Variant Classification Scheme 2023. Collection method: clinical testing. Allele origin: germline.

GeneDx
Classification: Benign. Last evaluated: 2018-11-06. Review status: criteria provided, single submitter. Criteria: GeneDx Variant Classification Process June 2021. Collection method: clinical testing. Allele origin: germline. Affected: yes.
Comment: This variant is associated with the following publications: (PMID: 17173049, 17999366, 18615476)

Genetic Services Laboratory, University of Chicago
Classification: Uncertain significance. Last evaluated: 2014-02-11. Review status: criteria provided, single submitter. Criteria: ACMG Guidelines, 2007. Collection method: clinical testing. Allele origin: germline.

Literature cited by the submitters: PubMed 17173049 (cited by Ambry Genetics); PubMed 17999366 (cited by Ambry Genetics); PubMed 18615476 (cited by Ambry Genetics).

NM_001372044.2(SHANK3):c.5185C>A (p.Pro1729Thr)

Gene: SHANK3 (SH3 and multiple ankyrin repeat domains 3; plus strand). Cytogenetic location: 22q13.33.
Variant type: single nucleotide variant.
Coding change: c.5185C>A on transcript NM_001372044.2 (MANE Select); coding-DNA position 5185, C replaced by A.
Protein change: p.Pro1729Thr; replaces proline 1729 with threonine.
Molecular consequence: missense variant.
Genome position (GRCh38, 1-based): chr22:50,731,076, C>A. VCF-style: chr22-50731076-C-A. GRCh37 (hg19) VCF-style: chr22-51169504-C-A.
Other names: c.4960C>A, p.Pro1654Thr (NM_033517.1); short protein forms P1654T, P1729T.
Identifiers: ClinVar variation 212176 (VCV000212176.42), dbSNP rs749130556, ClinGen allele CA208057.